The following is an entry in ClinVar:

NM_015978.3(TNNI3K):c.478G>A (p.Val160Ile)

Genes: FPGT-TNNI3K (FPGT-TNNI3K readthrough; plus strand), TNNI3K (TNNI3 interacting kinase; plus strand). Cytogenetic location: 1p31.1.
Variant type: single nucleotide variant.
Coding change: c.478G>A on transcript NM_015978.3 (MANE Select); coding-DNA position 478, G replaced by A.
Protein change: p.Val160Ile; replaces valine 160 with isoleucine.
Molecular consequence: missense variant.
Genome position (GRCh38, 1-based): chr1:74,331,483, G>A. VCF-style: chr1-74331483-G-A. GRCh37 (hg19) VCF-style: chr1-74797167-G-A.
Other names: c.781G>A, p.Val261Ile (NM_001112808.3, NM_001199327.2); short protein forms V261I, V160I.
Identifiers: ClinVar variation 1954790 (VCV001954790.5), dbSNP rs1171012788, ClinGen allele CA340779619.
Genomic context (GRCh38, chr1:74,331,483, plus strand): 5'-CTTAACCATAATCATTTTCTTGTCCAGGCTGCTGATGTGCTGTTGCAACATGGAGCTAAT[G>A]TCAATATTCAAGATGCAGTTTTTTTCACTCCATTGCATATTGCAGCGTACTATGGACATG-3'
Protein context (NP_057062.1, residues 150-170): ADVLLQHGAN[Val160Ile]NIQDAVFFTP

ClinVar aggregate classification (germline): Uncertain significance (1 of 4 stars; one submission).

Allele frequency attached by ClinVar (database versions not stated): TOPMed below 0.00001; gnomAD 0.00001.
gnomAD v4.1: 2 of 1,613,622 alleles (0.00012%); highest among the groups gnomAD compares: African/African-American, 0.0027%; no homozygotes.

Submission:

Labcorp Genetics (formerly Invitae), Labcorp
Classification: Uncertain significance. Last evaluated: 2022-05-18. Review status: criteria provided, single submitter. Criteria: Invitae Variant Classification Sherloc (09022015). Collection method: clinical testing. Allele origin: germline.
Comment: This sequence change replaces valine, which is neutral and non-polar, with isoleucine, which is neutral and non-polar, at codon 160 of the TNNI3K protein (p.Val160Ile). This variant is present in population databases (no rsID available, gnomAD 0.01%). This variant has not been reported in the literature in individuals affected with TNNI3K-related conditions. Algorithms developed to predict the effect of missense changes on protein structure and function output the following: SIFT: "Deleterious"; PolyPhen-2: "Benign"; Align-GVGD: "Class C25". The isoleucine amino acid residue is found in multiple mammalian species, which suggests that this missense change does not adversely affect protein function. In summary, the available evidence is currently insufficient to determine the role of this variant in disease. Therefore, it has been classified as a Variant of Uncertain Significance.